The following is an entry in ClinVar:

NM_001987.5(ETV6):c.193G>A (p.Asp65Asn)

Genes: ETV6 (ETS variant transcription factor 6; plus strand), LOC126861451 (BRD4-independent group 4 enhancer GRCh37_chr12:11991350-11992549; plus strand). Cytogenetic location: 12p13.2.
Variant type: single nucleotide variant.
Coding change: c.193G>A on transcript NM_001987.5 (MANE Select); coding-DNA position 193, G replaced by A.
Protein change: p.Asp65Asn; replaces aspartic acid 65 with asparagine.
Molecular consequence: missense variant. On other transcripts: 5 prime UTR variant (1).
Genome position (GRCh38, 1-based): chr12:11,839,169, G>A. VCF-style: chr12-11839169-G-A. GRCh37 (hg19) VCF-style: chr12-11992103-G-A.
Other names: c.190G>A, p.Asp64Asn (NM_001413913.1); c.166G>A, p.Asp56Asn (NM_001413914.1); c.-72G>A (NM_001413915.1); c.193G>A, p.Asp65Asn (NM_001413916.1, NM_001413917.1, NM_001413918.1); short protein forms D56N, D64N, D65N.
Identifiers: ClinVar variation 5036204 (VCV005036204.1).
Genomic context (GRCh38, chr12:11,839,169, plus strand): 5'-CTTTCTTTCTGCCTCATGCTCTCTCCAACAGGCTTGCAGCCAATTTACTGGAGCAGGGAT[G>A]ACGTAGCCCAGTGGCTCAAGTGGGCTGAAAATGAGTTTTCTTTAAGGCCAATTGACAGCA-3'
Protein context (NP_001978.1, residues 55-75): RLQPIYWSRD[Asp65Asn]VAQWLKWAEN

ClinVar aggregate classification (germline): Uncertain significance (1 of 4 stars; one submission).

Conditions:
Inborn genetic diseases. Identifiers: MedGen C0950123, MeSH D030342.

Submission:

Ambry Genetics
Classification: Uncertain significance for Inborn genetic diseases. Last evaluated: 2026-07-15. Review status: criteria provided, single submitter. Criteria: Ambry Variant Classification Scheme 2023. Collection method: clinical testing. Allele origin: germline.
Comment: The p.D65N variant (also known as c.193G>A), located in coding exon 3 of the ETV6 gene, results from a G to A substitution at nucleotide position 193. The aspartic acid at codon 65 is replaced by asparagine, an amino acid with highly similar properties. This amino acid position is conserved. In addition, this alteration is predicted to be tolerated by in silico analysis. Based on the available evidence, the clinical significance of this variant remains unclear.